The following is an entry in ClinVar:

ClinVar aggregate classification (germline): Uncertain significance. Review status: criteria provided, multiple submitters, no conflicts (2 of 4 stars). 3 submissions from 3 submitters: Uncertain significance (3). Last evaluated 2025-08-30.

Conditions:
Charcot-Marie-Tooth disease type 2. Also called: Charcot-Marie-Tooth type 2. Identifiers: Orphanet 64746, MedGen C0270914, MONDO:0018993.
Primary dilated cardiomyopathy (DCM). Also called: Dilated Cardiomyopathy. Identifiers: Orphanet 217604, MedGen C0007193, MeSH D002311, MONDO:0005021, HP:0001644. Inheritance: Various modes of inheritance.

Allele frequency attached by ClinVar (database versions not stated): TOPMed below 0.00001; ExAC 0.00001.
gnomAD v4.1: 12 of 1,613,616 alleles (0.00074%); highest among the groups gnomAD compares: South Asian, 0.0022%; no homozygotes.

Submissions (3):

Labcorp Genetics (formerly Invitae), Labcorp
Classification: Uncertain significance for Charcot-Marie-Tooth disease type 2. Last evaluated: 2025-08-30. Review status: criteria provided, single submitter. Criteria: Invitae Variant Classification Sherloc (09022015). Collection method: clinical testing. Allele origin: germline.
Comment: This sequence change replaces valine, which is neutral and non-polar, with glycine, which is neutral and non-polar, at codon 629 of the LMNA protein (p.Val629Gly). This variant is present in population databases (rs768700201, gnomAD 0.007%). This variant has not been reported in the literature in individuals affected with LMNA-related conditions. ClinVar contains an entry for this variant (Variation ID: 2189588). Invitae Evidence Modeling of protein sequence and biophysical properties (such as structural, functional, and spatial information, amino acid conservation, physicochemical variation, residue mobility, and thermodynamic stability) indicates that this missense variant is expected to disrupt LMNA protein function with a positive predictive value of 80%. In summary, the available evidence is currently insufficient to determine the role of this variant in disease. Therefore, it has been classified as a Variant of Uncertain Significance.

GeneDx
Classification: Uncertain significance. Last evaluated: 2024-12-10. Review status: criteria provided, single submitter. Criteria: GeneDx Variant Classification Process June 2021. Collection method: clinical testing. Allele origin: germline. Affected: yes.
Comment: Not observed at significant frequency in large population cohorts (gnomAD); In silico analysis indicates that this missense variant does not alter protein structure/function; Has not been previously published as pathogenic or benign to our knowledge; This variant is associated with the following publications: (PMID: 10939567)

All of Us Research Program, National Institutes of Health
Classification: Uncertain significance for Primary dilated cardiomyopathy. Last evaluated: 2023-12-01. Review status: criteria provided, single submitter. Criteria: ACMG Guidelines, 2015. Collection method: clinical testing. Allele origin: germline. Inheritance: Autosomal dominant inheritance. Observed: 2 variant alleles, 2 heterozygotes.
Comment: This study involves interpretation of variants in research participants for the purpose of population health screening. Participant phenotype was not available at the time of variant classification. Additional details can be found in publication PMID: 35346344, PMCID: PMC8962531

NM_170707.4(LMNA):c.1886T>G (p.Val629Gly)

Gene: LMNA (lamin A/C; plus strand). Cytogenetic location: 1q22.
Variant type: single nucleotide variant.
Coding change: c.1886T>G on transcript NM_170707.4 (MANE Select); coding-DNA position 1886, T replaced by G.
Protein change: p.Val629Gly; replaces valine 629 with glycine.
Molecular consequence: missense variant. On other transcripts: intron variant (1).
Genome position (GRCh38, 1-based): chr1:156,138,675, T>G. VCF-style: chr1-156138675-T-G. GRCh37 (hg19) VCF-style: chr1-156108466-T-G.
Other names: c.1328T>G, p.Val443Gly (NM_001406997.1, NM_001406990.1, NM_001406993.1 and 2 more transcripts); c.1262T>G, p.Val421Gly (NM_001406999.1, NM_001407000.1, NM_001407001.1 and 1 more transcripts); c.1796T>G, p.Val599Gly (NM_170708.4); c.1818+68T>G (NM_001282626.2); c.1550T>G, p.Val517Gly (NM_001257374.3, NM_001406989.1); c.1886T>G, p.Val629Gly (NM_001406983.1, NM_001406985.1, NM_001406991.1); c.1643T>G, p.Val548Gly (NM_001406986.1, NM_001406987.1); c.1589T>G, p.Val530Gly (NM_001406988.1); short protein forms V443G, V530G, V629G, V517G, V599G, V421G, V548G.
Identifiers: ClinVar variation 2189588 (VCV002189588.5), dbSNP rs768700201, ClinGen allele CA051584.